The following is an entry in ClinVar:

NM_015909.4(NBAS):c.4695C>T (p.Ser1565=)

Gene: NBAS (NBAS subunit of NRZ tethering complex; minus strand). Cytogenetic location: 2p24.3.
Variant type: single nucleotide variant.
Coding change: c.4695C>T on transcript NM_015909.4 (MANE Select); coding-DNA position 4695, C replaced by T.
Protein change: p.Ser1565=; no amino-acid change (serine 1565 retained).
Molecular consequence: synonymous variant. On other transcripts: non-coding transcript variant (1).
Genome position (GRCh38, 1-based): chr2:15,308,318, G>A on the plus strand (C>T on the coding strand, the complement: NBAS is on the minus strand). VCF-style: chr2-15308318-G-A. GRCh37 (hg19) VCF-style: chr2-15448442-G-A.
Other names: c.4695C>T (NM_015909.3).
Identifiers: ClinVar variation 3713985 (VCV003713985.3).

ClinVar aggregate classification (germline): Likely benign. Review status: criteria provided, multiple submitters, no conflicts (2 of 4 stars). 2 submissions from 2 submitters: Likely benign (2). Last evaluated 2026-07-08.

Conditions:
NBAS-related disorder. Also called: NBAS-related condition.

gnomAD v4.1: 6 of 1,614,064 alleles (0.00037%); highest among the groups gnomAD compares: South Asian, 0.0066%; no homozygotes.

Submissions (2):

PreventionGenetics, part of Exact Sciences
Classification: Likely benign for NBAS-related condition. Last evaluated: 2026-07-08. Review status: criteria provided, single submitter. Criteria: ACMG Guidelines, 2015. Collection method: clinical testing. Allele origin: germline.
Comment: This variant is classified as likely benign based on ACMG/AMP sequence variant interpretation guidelines (Richards et al. 2015 PMID: 25741868, with internal and published modifications).

Labcorp Genetics (formerly Invitae), Labcorp
Classification: Likely benign. Last evaluated: 2024-07-10. Review status: criteria provided, single submitter. Criteria: Invitae Variant Classification Sherloc (09022015). Collection method: clinical testing. Allele origin: germline.